The following is an entry in ClinVar:

ClinVar aggregate classification (germline): Pathogenic (1 of 4 stars; one submission).

Conditions:
Cerebral cavernous malformation (CCM). Also called: Cavernous Hemangioma of Brain; Cerebral cavernous hemangioma (type); Cerebral cavernous malformations; CAVERNOUS ANGIOMA, FAMILIAL; CAVERNOUS ANGIOMATOUS MALFORMATIONS; CEREBRAL CAPILLARY MALFORMATIONS. Identifiers: Orphanet 221061, MedGen C2919945, MONDO:0000820, OMIM 116860, HP:0033522.

Submission:

Labcorp Genetics (formerly Invitae), Labcorp
Classification: Pathogenic for Cerebral cavernous malformation. Last evaluated: 2021-10-03. Review status: criteria provided, single submitter. Criteria: Invitae Variant Classification Sherloc (09022015). Collection method: clinical testing. Allele origin: germline.
Comment: For these reasons, this variant has been classified as Pathogenic. ClinVar contains an entry for this variant (Variation ID: 1070438). This variant has not been reported in the literature in individuals affected with KRIT1-related conditions. This sequence change creates a premature translational stop signal (p.His483Thrfs*4) in the KRIT1 gene. It is expected to result in an absent or disrupted protein product. Loss-of-function variants in KRIT1 are known to be pathogenic (PMID: 10508515, 11222804, 12404106, 24689081). This variant is not present in population databases (ExAC no frequency).

Literature cited by the submitters: PubMed 10508515; PubMed 11222804; PubMed 12404106; PubMed 24689081.

NM_194454.3(KRIT1):c.1446dup (p.His483fs)

Gene: KRIT1 (KRIT1 ankyrin repeat containing; minus strand). Cytogenetic location: 7q21.2.
Variant type: Duplication.
Coding change: c.1446dup on transcript NM_194454.3 (MANE Select); coding-DNA position 1446, one base duplicated (A; older notation c.1446dupA).
Protein change: p.His483fs; shifts the reading frame from histidine 483.
Molecular consequence: frameshift variant.
Genome position (GRCh38, 1-based): chr7:92,222,019, T duplicated on the plus strand (A on the coding strand, the reverse complement: KRIT1 is on the minus strand); the first of 2 consecutive T bases (chr7:92,222,019-92,222,020); duplicating either gives the same sequence. VCF-style (leftmost placement, unchanged base first): chr7-92222018-G-GT. GRCh37 (hg19) VCF-style: chr7-91851332-G-GT.
Other names: c.1302dup, p.His435fs (NM_001013406.2, NM_001350669.1, NM_001350670.1); c.732dup, p.His245fs (NM_001350671.1); c.1446dup, p.His483fs (NM_001350672.1, NM_001350673.1, NM_001350674.1 and 26 more transcripts); short protein forms H245fs, H435fs, H483fs.
Identifiers: ClinVar variation 1070438 (VCV001070438.7), dbSNP rs2131437372, ClinGen allele CA2499219034.